The following is an entry in ClinVar:

NM_201402.3(USP17L2):c.863G>A (p.Gly288Asp)

Genes: FAM66D (family with sequence similarity 66 member D), USP17L2 (ubiquitin specific peptidase 17 like family member 2; minus strand). Cytogenetic location: 8p23.1.
Variant type: single nucleotide variant.
Coding change: c.863G>A on transcript NM_201402.3 (MANE Select); coding-DNA position 863, G replaced by A.
Protein change: p.Gly288Asp; replaces glycine 288 with aspartic acid.
Molecular consequence: missense variant.
Genome position (GRCh38, 1-based): chr8:12,137,898, C>T on the plus strand (G>A on the coding strand, the complement: USP17L2 is on the minus strand). VCF-style: chr8-12137898-C-T. GRCh37 (hg19) VCF-style: chr8-11995407-C-T.
Other names: short protein forms G288D.
Identifiers: ClinVar variation 2658426 (VCV002658426.24), dbSNP rs751850291, ClinGen allele CA4635030.

ClinVar aggregate classification (germline): Likely benign (1 of 4 stars; one submission).

Allele frequency attached by ClinVar (database versions not stated): gnomAD 0.00047.

Submission:

CeGaT Center for Human Genetics Tuebingen
Classification: Likely benign. Last evaluated: 2023-09-01. Review status: criteria provided, single submitter. Criteria: CeGaT Center For Human Genetics Tuebingen Variant Classification Criteria Version 2. Collection method: clinical testing. Allele origin: germline. Affected: yes. Observed: 1 variant allele.
Comment: USP17L2: BP4